The following is an entry in ClinVar:

ClinVar aggregate classification (germline): Uncertain significance. Review status: criteria provided, multiple submitters, no conflicts (2 of 4 stars). 2 submissions from 2 submitters: Uncertain significance (2). Last evaluated 2026-09-25.

Conditions:
Dystonia 12 (DYT12). Also called: DYT-ATP1A3; Rapid-Onset Dystonia-Parkinsonism (RDP). Identifiers: Orphanet 71517, MedGen C1868681, MONDO:0007496, OMIM 128235.

Submissions (2):

GeneDx
Classification: Uncertain significance. Last evaluated: 2026-09-25. Review status: criteria provided, single submitter. Criteria: GeneDx Variant Classification Process June 2021. Collection method: clinical testing. Allele origin: germline.
Comment: Not observed at significant frequency in large population cohorts (gnomAD); In silico analysis supports that this missense variant has a deleterious effect on protein structure/function; Has not been previously published as pathogenic or benign to our knowledge

Labcorp Genetics (formerly Invitae), Labcorp
Classification: Uncertain significance for Dystonia 12. Last evaluated: 2022-07-02. Review status: criteria provided, single submitter. Criteria: Invitae Variant Classification Sherloc (09022015). Collection method: clinical testing. Allele origin: germline.
Comment: This variant is not present in population databases (gnomAD no frequency). In summary, the available evidence is currently insufficient to determine the role of this variant in disease. Therefore, it has been classified as a Variant of Uncertain Significance. Advanced modeling of protein sequence and biophysical properties (such as structural, functional, and spatial information, amino acid conservation, physicochemical variation, residue mobility, and thermodynamic stability) performed at Invitae indicates that this missense variant is expected to disrupt ATP1A3 protein function. This variant has not been reported in the literature in individuals affected with ATP1A3-related conditions. This sequence change replaces leucine, which is neutral and non-polar, with arginine, which is basic and polar, at codon 301 of the ATP1A3 protein (p.Leu301Arg).

NM_152296.5(ATP1A3):c.902T>G (p.Leu301Arg)

Gene: ATP1A3 (ATPase Na+/K+ transporting subunit alpha 3; minus strand). Cytogenetic location: 19q13.2.
Variant type: single nucleotide variant.
Coding change: c.902T>G on transcript NM_152296.5 (MANE Select); coding-DNA position 902, T replaced by G.
Protein change: p.Leu301Arg; replaces leucine 301 with arginine.
Molecular consequence: missense variant.
Genome position (GRCh38, 1-based): chr19:41,985,009, A>C on the plus strand (T>G on the coding strand, the complement: ATP1A3 is on the minus strand). VCF-style: chr19-41985009-A-C. GRCh37 (hg19) VCF-style: chr19-42489161-A-C.
Other names: c.935T>G, p.Leu312Arg (NM_001256213.2); c.941T>G, p.Leu314Arg (NM_001256214.2); short protein forms L301R, L312R, L314R.
Identifiers: ClinVar variation 2013289 (VCV002013289.7), dbSNP rs2514075419, ClinGen allele CA406052541.